The following is an entry in ClinVar:

NM_198904.4(GABRG2):c.1046C>A (p.Ala349Asp)

Gene: GABRG2 (gamma-aminobutyric acid type A receptor subunit gamma2; plus strand). Cytogenetic location: 5q34.
Variant type: single nucleotide variant.
Coding change: c.1046C>A on transcript NM_198904.4 (MANE Select); coding-DNA position 1046, C replaced by A.
Protein change: p.Ala349Asp; replaces alanine 349 with aspartic acid.
Molecular consequence: missense variant. On other transcripts: intron variant (1).
Genome position (GRCh38, 1-based): chr5:162,149,231, C>A. VCF-style: chr5-162149231-C-A. GRCh37 (hg19) VCF-style: chr5-161576237-C-A.
Other names: c.1046C>A, p.Ala349Asp (NM_000816.3); c.1037C>A, p.Ala346Asp (NM_001375339.1); c.1043C>A, p.Ala348Asp (NM_001375341.1, NM_001375342.1); c.1166C>A, p.Ala389Asp (NM_001375343.1, NM_198903.2); c.1085C>A, p.Ala362Asp (NM_001375344.1); c.980C>A, p.Ala327Asp (NM_001375345.1, NM_001375346.1); c.959C>A, p.Ala320Asp (NM_001375347.1); c.626C>A, p.Ala209Asp (NM_001375348.1, NM_001375350.1); and 2 more; short protein forms A209D, A254D, A320D, A327D, A346D, A348D, A349D, A362D.
Identifiers: ClinVar variation 1720734 (VCV001720734.6), dbSNP rs2532756668, ClinGen allele CA362182561.
Genomic context (GRCh38, chr5:162,149,231, plus strand): 5'-TCTCCTATGTCACAGCGATGGATCTCTTTGTATCTGTTTGTTTCATCTTTGTCTTCTCTG[C>A]TCTGGTGGAGTATGGCACCTTGCATTATTTTGTCAGCAACCGGAAACCAAGCAAGGACAA-3'
Protein context (NP_944494.1, residues 339-359): VSVCFIFVFS[Ala349Asp]LVEYGTLHYF

ClinVar aggregate classification (germline): Uncertain significance (1 of 4 stars; one submission).

Conditions:
EPILEPSY, CHILDHOOD ABSENCE, SUSCEPTIBILITY TO, 2 (ECA2). Identifiers: Orphanet 64280, MedGen C1843244, OMIM 607681.
Febrile seizures, familial, 8 (FEB8). Also called: CONVULSIONS, FAMILIAL FEBRILE, 8. Identifiers: Orphanet 36387, MedGen C1969810, MONDO:0011891, OMIM 607681.

Submission:

Labcorp Genetics (formerly Invitae), Labcorp
Classification: Uncertain significance for Febrile seizures, familial, 8; EPILEPSY, CHILDHOOD ABSENCE, SUSCEPTIBILITY TO, 2. Last evaluated: 2022-09-30. Review status: criteria provided, single submitter. Criteria: Invitae Variant Classification Sherloc (09022015). Collection method: clinical testing. Allele origin: germline.
Comment: This sequence change replaces alanine, which is neutral and non-polar, with aspartic acid, which is acidic and polar, at codon 349 of the GABRG2 protein (p.Ala349Asp). This variant has not been reported in the literature in individuals affected with GABRG2-related conditions. This variant is not present in population databases (gnomAD no frequency). In summary, the available evidence is currently insufficient to determine the role of this variant in disease. Therefore, it has been classified as a Variant of Uncertain Significance. Advanced modeling of protein sequence and biophysical properties (such as structural, functional, and spatial information, amino acid conservation, physicochemical variation, residue mobility, and thermodynamic stability) performed at Invitae indicates that this missense variant is expected to disrupt GABRG2 protein function.